The following is an entry in ClinVar:

ClinVar aggregate classification (germline): Likely benign. Review status: criteria provided, multiple submitters, no conflicts (2 of 4 stars). 3 submissions from 3 submitters: Likely benign (3). Last evaluated 2026-09-01.

Conditions:
Mucopolysaccharidosis, MPS-II (MPS2). Also called: Mucopolysaccharidosis type 2; IDS deficiency; Sulfoiduronate sulfatase deficiency; SIDS deficiency; Mucopolysaccharidosis with skin involvement; Attenuated MPS (subtype; formerly known as mild MPS II). Identifiers: Orphanet 580, Orphanet 79388, MedGen C0026705, MONDO:0010674, OMIM 309900.

Allele frequency attached by ClinVar (database versions not stated): gnomAD 0.00004.
gnomAD v4.1: 13 of 1,205,547 alleles (0.0011%); highest among the groups gnomAD compares: Middle Eastern, 0.023%; no homozygotes.

Submissions (3):

CeGaT Center for Human Genetics Tuebingen
Classification: Likely benign. Last evaluated: 2026-09-01. Review status: criteria provided, single submitter. Criteria: CeGaT Center For Human Genetics Tuebingen Variant Classification Criteria Version 2. Collection method: clinical testing. Allele origin: germline. Affected: yes. Observed: 1 variant allele.
Comment: IDS: BS2

Labcorp Genetics (formerly Invitae), Labcorp
Classification: Likely benign for Mucopolysaccharidosis, MPS-II. Last evaluated: 2026-01-26. Review status: criteria provided, single submitter. Criteria: Invitae Variant Classification Sherloc (09022015). Collection method: clinical testing. Allele origin: germline.

Blueprint Genetics
Classification: Likely benign. Last evaluated: 2024-11-25. Review status: criteria provided, single submitter. Criteria: ACMG Guidelines, 2015. Collection method: clinical testing. Allele origin: germline.

NM_000202.8(IDS):c.880-19A>T

Genes: IDS (iduronate 2-sulfatase; minus strand), LOC106050102 (IDS recombination region; plus strand). Cytogenetic location: Xq28.
Variant type: single nucleotide variant.
Coding change: c.880-19A>T on transcript NM_000202.8 (MANE Select); 19 bases into the intron before coding-DNA position 880, A replaced by T.
Molecular consequence: intron variant.
Genome position (GRCh38, 1-based): chrX:149,490,459, T>A on the plus strand (A>T on the coding strand, the complement: IDS is on the minus strand). VCF-style: chrX-149490459-T-A. GRCh37 (hg19) VCF-style: chrX-148571990-T-A.
Other names: c.610-19A>T (NM_001166550.4); c.880-19A>T (NM_006123.5).
Identifiers: ClinVar variation 2068564 (VCV002068564.6), dbSNP rs781883143, ClinGen allele CA645068938.